The following is an entry in ClinVar:

NM_003118.4(SPARC):c.816C>A (p.Thr272=)

Genes: SPARC (secreted protein acidic and cysteine rich; minus strand), LOC126807556 (MED14-independent group 3 enhancer GRCh37_chr5:151042798-151043997; plus strand). Cytogenetic location: 5q33.1.
Variant type: single nucleotide variant.
Coding change: c.816C>A on transcript NM_003118.4 (MANE Select); coding-DNA position 816, C replaced by A.
Protein change: p.Thr272=; no amino-acid change (threonine 272 retained).
Molecular consequence: synonymous variant.
Genome position (GRCh38, 1-based): chr5:151,664,154, G>T on the plus strand (C>A on the coding strand, the complement: SPARC is on the minus strand). VCF-style: chr5-151664154-G-T. GRCh37 (hg19) VCF-style: chr5-151043715-G-T.
Other names: c.813C>A, p.Thr271= (NM_001309443.2); c.816C>A, p.Thr272= (NM_001309444.2).
Identifiers: ClinVar variation 747118 (VCV000747118.10), dbSNP rs373219701, ClinGen allele CA3522566.

ClinVar aggregate classification (germline): Likely benign. Review status: criteria provided, single submitter (1 of 4 stars). 2 submissions from 2 submitters: Likely benign (1). 1 of the submissions does not count toward it. Last evaluated 2024-07-02.

Conditions:
SPARC-related disorder. Also called: SPARC-related condition.

Allele frequency attached by ClinVar (database versions not stated): gnomAD exomes 0.00002 and 0.00004; ESP Exome Variant Server 0.00008; ExAC 0.00001; TOPMed 0.00005; gnomAD 0.00003.
gnomAD v4.1: 63 of 1,614,102 alleles (0.0039%); highest among the groups gnomAD compares: Non-Finnish European, 0.0053%; no homozygotes.

Submissions (2):

Labcorp Genetics (formerly Invitae), Labcorp
Classification: Likely benign. Last evaluated: 2024-07-02. Review status: criteria provided, single submitter. Criteria: Invitae Variant Classification Sherloc (09022015). Collection method: clinical testing. Allele origin: germline.

PreventionGenetics, part of Exact Sciences
Classification: Likely benign for SPARC-related condition. Last evaluated: 2022-10-04. Review status: no assertion criteria provided. Collection method: clinical testing. Allele origin: germline. Not counted in ClinVar's aggregate classification.
Comment: This variant is classified as likely benign based on ACMG/AMP sequence variant interpretation guidelines (Richards et al. 2015 PMID: 25741868, with internal and published modifications).